The following is an entry in ClinVar:

ClinVar aggregate classification (germline): Pathogenic/Likely pathogenic. Review status: criteria provided, multiple submitters, no conflicts (2 of 4 stars). 6 submissions from 6 submitters: Pathogenic (3); Likely pathogenic (1). 2 of the submissions do not count toward it. Last evaluated 2026-02-11.

Conditions:
Hereditary cancer-predisposing syndrome. Also called: Hereditary Cancer Syndrome; Hereditary neoplastic syndrome; Neoplastic Syndromes, Hereditary; Tumor predisposition. Identifiers: Orphanet 140162, MedGen C0027672, MeSH D009386, MONDO:0015356.
Breast-ovarian cancer, familial, susceptibility to, 2 (BROVCA2). Also called: BRCA2 Hereditary Breast and Ovarian Cancer. Identifiers: Orphanet 145, MedGen C2675520, MONDO:0012933, OMIM 612555. Disease mechanism: loss of function.
Hereditary breast ovarian cancer syndrome. Also called: BRCA1- and BRCA2-Associated Hereditary Breast and Ovarian Cancer; Hereditary breast and ovarian cancer syndrome; Hereditary breast and ovarian cancer syndrome (HBOC); Breast and ovarian cancer; Hereditary breast and/or ovarian cancer syndrome; Hereditary breast and ovarian cancer. Identifiers: Orphanet 145, MedGen C0677776, MeSH D061325, MONDO:0003582. Disease mechanism: loss of function.
Breast-ovarian cancer, familial, susceptibility to, 1 (BROVCA1). Also called: BRCA1 Hereditary Breast and Ovarian Cancer; OVARIAN CANCER, SUSCEPTIBILITY TO. Identifiers: Orphanet 145, MedGen C2676676, MONDO:0011450, OMIM 604370. Disease mechanism: loss of function.

Submissions (6):

Ambry Genetics
Classification: Pathogenic for Hereditary cancer-predisposing syndrome. Last evaluated: 2026-02-11. Review status: criteria provided, single submitter. Criteria: Ambry Variant Classification Scheme 2023. Collection method: clinical testing. Allele origin: germline.
Comment: The c.4185+1G>T intronic pathogenic mutation results from a G to T substitution one nucleotide after coding exon 10 of the BRCA1 gene. This nucleotide position is highly conserved in available vertebrate species. This alteration has been identified in multiple Korean patients with breast and ovarian cancer (Haffty BG et al. Ann. Oncol., 2009 Oct;20:1653-9; Kim H et al. Breast Cancer Res. Treat., 2012 Aug;134:1315-26; Ryu JM et al. Breast Cancer Res. Treat., 2019 Jan;173:385-395). In silico splice site analysis predicts that this alteration will weaken the native splice donor site; however, direct evidence is insufficient at this time (Ambry internal data). A close match, last nucleotide, synonymous alteration BRCA1 c.4185G>T induced skipping of coding exon 10 (Wappenschmidt B et al. PLoS ONE, 2012 Dec;7:e50800) and is classified as pathogenic based on a multifactorial analysis model of variant classification (Parsons MT et al. Hum. Mutat., 2019 09;40:1557-1578). In the same study, this variant was classified as likely pathogenic with an elevated family history likelihood ratio (Parsons MT et al. Hum. Mutat., 2019 09;40:1557-1578). Alterations that disrupt the canonical splice site are expected to cause aberrant splicing, resulting in an abnormal protein or a transcript that is subject to nonsense-mediated mRNA decay. Based on the majority of available evidence to-date, this alteration is interpreted as a disease-causing mutation.

Labcorp Genetics (formerly Invitae), Labcorp
Classification: Pathogenic for Hereditary breast ovarian cancer syndrome. Last evaluated: 2024-07-13. Review status: criteria provided, single submitter. Criteria: Invitae Variant Classification Sherloc (09022015). Collection method: clinical testing. Allele origin: germline.
Comment: This sequence change affects a donor splice site in intron 11 of the BRCA1 gene. It is expected to disrupt RNA splicing. Variants that disrupt the donor or acceptor splice site typically lead to a loss of protein function (PMID: 16199547), and loss-of-function variants in BRCA1 are known to be pathogenic (PMID: 20104584). This variant is not present in population databases (gnomAD no frequency). Disruption of this splice site has been observed in individual(s) with breast cancer (PMID: 19491284, 22333603). This variant is also known as IVS12+1G>T. ClinVar contains an entry for this variant (Variation ID: 55128). Studies have shown that disruption of this splice site alters mRNA splicing and is expected to lead to the loss of protein expression (PMID: 24667779). For these reasons, this variant has been classified as Pathogenic.

Genetics and Molecular Pathology, SA Pathology
Classification: Likely pathogenic for Breast-ovarian cancer, familial, susceptibility to, 2. Last evaluated: 2021-11-22. Review status: criteria provided, single submitter. Criteria: ACMG Guidelines, 2015. Collection method: clinical testing. Allele origin: germline. Affected: yes.
Comment: The BRCA1 c.4185+1G>T variant is classified as Likely Pathogenic (PVS1, PM2)

Consortium of Investigators of Modifiers of BRCA1/2 (CIMBA), c/o University of Cambridge
Classification: Pathogenic for Breast-ovarian cancer, familial, susceptibility to, 1. Last evaluated: 2015-10-02. Review status: criteria provided, single submitter. Criteria: CIMBA Mutation Classification guidelines May 2016. Collection method: clinical testing. Allele origin: germline.

Sharing Clinical Reports Project (SCRP)
Classification: Pathogenic for Breast-ovarian cancer, familial 1. Last evaluated: 2012-05-01. Review status: no assertion criteria provided. Collection method: clinical testing. Allele origin: germline. Not counted in ClinVar's aggregate classification.

Breast Cancer Information Core (BIC) (BRCA1)
Classification: Pathogenic for Breast-ovarian cancer, familial 1. Last evaluated: 2004-11-25. Review status: no assertion criteria provided. Collection method: clinical testing. Allele origin: germline. Affected: yes. Observed: 1 variant allele. Not counted in ClinVar's aggregate classification.

Literature cited by the submitters: PubMed 19491284 (cited by Ambry Genetics and Labcorp Genetics (formerly Invitae), Labcorp); PubMed 22798144 (cited by Ambry Genetics); PubMed 23239986 (cited by Ambry Genetics); PubMed 30350268 (cited by Ambry Genetics); PubMed 31131967 (cited by Ambry Genetics); PubMed 16199547 (cited by Labcorp Genetics (formerly Invitae), Labcorp); PubMed 20104584 (cited by Labcorp Genetics (formerly Invitae), Labcorp); PubMed 22333603 (cited by Labcorp Genetics (formerly Invitae), Labcorp); PubMed 24667779 (cited by Labcorp Genetics (formerly Invitae), Labcorp).

NM_007294.4(BRCA1):c.4185+1G>T

Gene: BRCA1 (BRCA1 DNA repair associated; minus strand). Cytogenetic location: 17q21.31.
Variant type: single nucleotide variant.
Coding change: c.4185+1G>T on transcript NM_007294.4 (MANE Select); the canonical splice donor site of the intron after coding-DNA position 4185, G replaced by T.
Molecular consequence: splice donor variant.
Genome position (GRCh38, 1-based): chr17:43,090,943, C>A on the plus strand (G>T on the coding strand, the complement: BRCA1 is on the minus strand). VCF-style: chr17-43090943-C-A. GRCh37 (hg19) VCF-style: chr17-41242960-C-A.
Other names: IVS12+1G>T; c.735+1G>T (NM_001408453.1, NM_001408461.1, NM_001408456.1 and 11 more transcripts); c.4044+1G>T (NM_001407737.1, NM_001407728.1, NM_001407738.1 and 29 more transcripts); c.4041+1G>T (NM_001407746.1, NM_001407843.1, NM_001407842.1 and 20 more transcripts); c.3975+1G>T (NM_001407886.1, NM_001407889.1, NM_001407881.1 and 13 more transcripts); c.4059+1G>T (NM_001407686.1, NM_001407691.1, NM_001407685.1 and 11 more transcripts); c.873+1G>T (NM_001408397.1, NM_001408401.1, NM_001408396.1 and 13 more transcripts); c.4182+1G>T (NM_001407632.1, NM_001407613.1, NM_001407644.1 and 22 more transcripts); and 42 more.
Identifiers: ClinVar variation 55128 (VCV000055128.17), dbSNP rs80358076, ClinGen allele CA002684.
Genomic context (GRCh38, chr17:43,090,943, plus strand): 5'-ATACTACTGAATGCAAAGGACACCACACACACGCATGTGCACACACACACACGCTTTTTA[C>A]CTGAGTGGTTAAAATGTCACTCTGAGAGGATAGCCCTGAGCAGTCTTCAGAGACGCTTGT-3'